The following is an entry in ClinVar:

NM_001367624.2(ZNF469):c.3647G>A (p.Arg1216His)

Gene: ZNF469 (zinc finger protein 469; plus strand). Cytogenetic location: 16q24.2.
Variant type: single nucleotide variant.
Coding change: c.3647G>A on transcript NM_001367624.2 (MANE Select); coding-DNA position 3647, G replaced by A.
Protein change: p.Arg1216His; replaces arginine 1216 with histidine.
Molecular consequence: missense variant.
Genome position (GRCh38, 1-based): chr16:88,431,117, G>A. VCF-style: chr16-88431117-G-A. GRCh37 (hg19) VCF-style: chr16-88497525-G-A.
Other names: short protein forms R1216H.
Identifiers: ClinVar variation 1927105 (VCV001927105.2), dbSNP rs945136840, ClinGen allele CA286375101.

ClinVar aggregate classification (germline): Uncertain significance (1 of 4 stars; one submission).

Allele frequency attached by ClinVar (database versions not stated): TOPMed below 0.00001.
gnomAD v4.1: 8 of 1,550,024 alleles (0.00052%); highest among the groups gnomAD compares: South Asian, 0.0012%; no homozygotes.

Submission:

Labcorp Genetics (formerly Invitae), Labcorp
Classification: Uncertain significance. Last evaluated: 2022-02-01. Review status: criteria provided, single submitter. Criteria: Invitae Variant Classification Sherloc (09022015). Collection method: clinical testing. Allele origin: germline.
Comment: This sequence change replaces arginine, which is basic and polar, with histidine, which is basic and polar, at codon 1188 of the ZNF469 protein (p.Arg1188His). This variant is not present in population databases (gnomAD no frequency). This variant has not been reported in the literature in individuals affected with ZNF469-related conditions. Algorithms developed to predict the effect of missense changes on protein structure and function output the following: SIFT: "Tolerated"; PolyPhen-2: "Benign"; Align-GVGD: "Class C0". The histidine amino acid residue is found in multiple mammalian species, which suggests that this missense change does not adversely affect protein function. In summary, the available evidence is currently insufficient to determine the role of this variant in disease. Therefore, it has been classified as a Variant of Uncertain Significance.